The following is an entry in ClinVar:

ClinVar aggregate classification (germline): Uncertain significance (1 of 4 stars; one submission).

gnomAD v4.1: 2 of 1,613,548 alleles (0.00012%); highest among the groups gnomAD compares: Non-Finnish European, 0.00017%; no homozygotes.

Submission:

CeGaT Center for Human Genetics Tuebingen
Classification: Uncertain significance. Last evaluated: 2025-08-01. Review status: criteria provided, single submitter. Criteria: CeGaT Center For Human Genetics Tuebingen Variant Classification Criteria Version 2. Collection method: clinical testing. Allele origin: germline. Affected: yes. Observed: 1 variant allele.
Comment: SYNJ1: PM2

NM_203446.3(SYNJ1):c.2265A>G (p.Ile755Met)

Gene: SYNJ1 (synaptojanin 1; minus strand). Cytogenetic location: 21q22.11.
Variant type: single nucleotide variant.
Coding change: c.2265A>G on transcript NM_203446.3 (MANE Select); coding-DNA position 2265, A replaced by G.
Protein change: p.Ile755Met; replaces isoleucine 755 with methionine.
Molecular consequence: missense variant.
Genome position (GRCh38, 1-based): chr21:32,664,952, T>C on the plus strand (A>G on the coding strand, the complement: SYNJ1 is on the minus strand). VCF-style: chr21-32664952-T-C. GRCh37 (hg19) VCF-style: chr21-34037262-T-C.
Other names: c.2265A>G, p.Ile755Met (NM_001160302.2); c.2250A>G, p.Ile750Met (NM_001160306.2); c.2382A>G, p.Ile794Met (NM_003895.4); short protein forms I750M, I755M, I794M.
Identifiers: ClinVar variation 4084606 (VCV004084606.8).